The following is an entry in ClinVar:

ClinVar aggregate classification (germline): Uncertain significance (1 of 4 stars; one submission).

Conditions:
Cardiovascular phenotype. Identifiers: MedGen CN230736.

Allele frequency attached by ClinVar (database versions not stated): TOPMed 0.00001; gnomAD 0.00003; gnomAD exomes 0.00001.
gnomAD v4.1: 19 of 1,614,088 alleles (0.0012%); highest among the groups gnomAD compares: African/African-American, 0.0053%; no homozygotes.

Submission:

Ambry Genetics
Classification: Uncertain significance for Cardiovascular phenotype. Last evaluated: 2025-11-15. Review status: criteria provided, single submitter. Criteria: Ambry Variant Classification Scheme 2023. Collection method: clinical testing. Allele origin: germline.
Comment: The p.E3709G variant (also known as c.11126A>G), located in coding exon 46 of the AKAP9 gene, results from an A to G substitution at nucleotide position 11126. The glutamic acid at codon 3709 is replaced by glycine, an amino acid with similar properties. This amino acid position is conserved. In addition, the in silico prediction for this alteration is inconclusive. Since supporting evidence is limited at this time, the clinical significance of this alteration remains unclear.

NM_005751.5(AKAP9):c.11126A>G (p.Glu3709Gly)

Gene: AKAP9 (A-kinase anchoring protein 9; plus strand). Cytogenetic location: 7q21.2.
Variant type: single nucleotide variant.
Coding change: c.11126A>G on transcript NM_005751.5 (MANE Select); coding-DNA position 11126, A replaced by G.
Protein change: p.Glu3709Gly; replaces glutamic acid 3709 with glycine.
Molecular consequence: missense variant.
Genome position (GRCh38, 1-based): chr7:92,102,622, A>G. VCF-style: chr7-92102622-A-G. GRCh37 (hg19) VCF-style: chr7-91731936-A-G.
Other names: c.5771A>G, p.Glu1924Gly (NM_001379277.1); c.11102A>G, p.Glu3701Gly (NM_147185.3); short protein forms E1924G, E3701G, E3709G.
Identifiers: ClinVar variation 1795395 (VCV001795395.3), dbSNP rs1271209944, ClinGen allele CA368162038.